The following is an entry in ClinVar:

ClinVar aggregate classification (germline): Benign/Likely benign. Review status: criteria provided, multiple submitters, no conflicts (2 of 4 stars). 2 submissions from 2 submitters: Benign (1); Likely benign (1). Last evaluated 2026-08-01.

Allele frequency attached by ClinVar (database versions not stated): 1000 Genomes Project 30x 0.00172; 1000 Genomes Project 0.00280; gnomAD 0.00375; ExAC 0.00379; TOPMed 0.00391; gnomAD exomes 0.00608.
gnomAD v4.1: 9,033 of 1,550,306 alleles (0.58%); highest among the groups gnomAD compares: Non-Finnish European, 0.69%; 36 homozygotes.

Submissions (2):

CeGaT Center for Human Genetics Tuebingen
Classification: Benign. Last evaluated: 2026-08-01. Review status: criteria provided, single submitter. Criteria: CeGaT Center For Human Genetics Tuebingen Variant Classification Criteria Version 2. Collection method: clinical testing. Allele origin: germline. Affected: yes. Observed: 19 variant alleles.
Comment: SETD1B: BP4, BS1, BS2

Blueprint Genetics
Classification: Likely benign. Last evaluated: 2024-11-27. Review status: criteria provided, single submitter. Criteria: ACMG Guidelines, 2015. Collection method: clinical testing. Allele origin: germline.

NM_001353345.2(SETD1B):c.1100C>T (p.Pro367Leu)

Gene: SETD1B (SET domain containing 1B, histone lysine methyltransferase; plus strand). Cytogenetic location: 12q24.31.
Variant type: single nucleotide variant.
Coding change: c.1100C>T on transcript NM_001353345.2 (MANE Select); coding-DNA position 1100, C replaced by T.
Protein change: p.Pro367Leu; replaces proline 367 with leucine.
Molecular consequence: missense variant.
Genome position (GRCh38, 1-based): chr12:121,810,045, C>T. VCF-style: chr12-121810045-C-T. GRCh37 (hg19) VCF-style: chr12-122247951-C-T.
Other names: short protein forms P367L.
Identifiers: ClinVar variation 2643425 (VCV002643425.25), dbSNP rs113279920, ClinGen allele CA6838830.